The following is an entry in ClinVar:

NM_001042492.3(NF1):c.8042T>A (p.Ile2681Asn)

Gene: NF1 (neurofibromin 1; plus strand). Cytogenetic location: 17q11.2.
Variant type: single nucleotide variant.
Coding change: c.8042T>A on transcript NM_001042492.3 (MANE Select); coding-DNA position 8042, T replaced by A.
Protein change: p.Ile2681Asn; replaces isoleucine 2681 with asparagine.
Molecular consequence: missense variant.
Genome position (GRCh38, 1-based): chr17:31,358,551, T>A. VCF-style: chr17-31358551-T-A. GRCh37 (hg19) VCF-style: chr17-29685569-T-A.
Other names: c.7979T>A, p.Ile2660Asn (NM_000267.4); short protein forms I2660N, I2681N.
Identifiers: ClinVar variation 3237967 (VCV003237967.1), dbSNP rs2508835210.

ClinVar aggregate classification (germline): Uncertain significance (1 of 4 stars; one submission).

Conditions:
Hereditary cancer-predisposing syndrome. Also called: Neoplastic Syndromes, Hereditary; Tumor predisposition; Hereditary neoplastic syndrome; Hereditary Cancer Syndrome. Identifiers: Orphanet 140162, MedGen C0027672, MeSH D009386, MONDO:0015356.
Cardiovascular phenotype. Identifiers: MedGen CN230736.

Submission:

Ambry Genetics
Classification: Uncertain significance for Cardiovascular phenotype; Hereditary cancer-predisposing syndrome. Last evaluated: 2023-11-21. Review status: criteria provided, single submitter. Criteria: Ambry Variant Classification Scheme 2023. Collection method: clinical testing. Allele origin: germline.
Comment: The p.I2660N variant (also known as c.7979T>A), located in coding exon 54 of the NF1 gene, results from a T to A substitution at nucleotide position 7979. The isoleucine at codon 2660 is replaced by asparagine, an amino acid with dissimilar properties. This amino acid position is conserved. In addition, the in silico prediction for this alteration is inconclusive. Since supporting evidence is limited at this time, the clinical significance of this alteration remains unclear.